The following is an entry in ClinVar:

NM_001957.4(EDNRA):c.354G>A (p.Leu118=)

Gene: EDNRA (endothelin receptor type A; plus strand). Cytogenetic location: 4q31.22.
Variant type: single nucleotide variant.
Coding change: c.354G>A on transcript NM_001957.4 (MANE Select); coding-DNA position 354, G replaced by A.
Protein change: p.Leu118=; no amino-acid change (leucine 118 retained).
Molecular consequence: synonymous variant. On other transcripts: non-coding transcript variant (1).
Genome position (GRCh38, 1-based): chr4:147,486,035, G>A. VCF-style: chr4-147486035-G-A. GRCh37 (hg19) VCF-style: chr4-148407187-G-A.
Other names: c.354G>A, p.Leu118= (NM_001166055.2, NM_001354797.2).
Identifiers: ClinVar variation 721740 (VCV000721740.9), dbSNP rs201702493, ClinGen allele CA3097864.

ClinVar aggregate classification (germline): Likely benign. Review status: criteria provided, multiple submitters, no conflicts (2 of 4 stars). 3 submissions from 3 submitters: Likely benign (3). Last evaluated 2025-09-26.

Conditions:
Mandibulofacial dysostosis with alopecia (MFDA). Identifiers: Orphanet 443995, MedGen C4225349, MONDO:0014608, OMIM 616367.
Migraine with or without aura, susceptibility to, 1. Identifiers: MedGen C3887485, MONDO:0008000, OMIM 157300.
EDNRA-related disorder. Also called: EDNRA-related condition.

Allele frequency attached by ClinVar (database versions not stated): ExAC 0.00002; gnomAD exomes 0.00005; TOPMed 0.00005; gnomAD 0.00007 and 0.00009.
gnomAD v4.1: 83 of 1,614,114 alleles (0.0051%); highest among the groups gnomAD compares: Middle Eastern, 0.082%; no homozygotes.

Submissions (3):

PreventionGenetics, part of Exact Sciences
Classification: Likely benign for EDNRA-related condition. Last evaluated: 2025-09-26. Review status: criteria provided, single submitter. Criteria: ACMG Guidelines, 2015. Collection method: clinical testing. Allele origin: germline.
Comment: This variant is classified as likely benign based on ACMG/AMP sequence variant interpretation guidelines (Richards et al. 2015 PMID: 25741868, with internal and published modifications).

Labcorp Genetics (formerly Invitae), Labcorp
Classification: Likely benign. Last evaluated: 2022-04-08. Review status: criteria provided, single submitter. Criteria: Invitae Variant Classification Sherloc (09022015). Collection method: clinical testing. Allele origin: germline.

Fulgent Genetics
Classification: Likely benign for Migraine with or without aura, susceptibility to, 1; Mandibulofacial dysostosis with alopecia. Last evaluated: 2021-09-06. Review status: criteria provided, single submitter. Criteria: ACMG Guidelines, 2015. Collection method: clinical testing. Allele origin: unknown.